The following is an entry in ClinVar:

NR_003051.3(RMRP):n.-8_-7insGGTGAAGCTG

Gene: RMRP (RNA component of mitochondrial RNA processing endoribonuclease; minus strand). Cytogenetic location: 9p13.3.
Variant type: Insertion.
Genome position: GRCh38 VCF-style: chr9-35658025-T-TCAGCTTCACC. GRCh37 (hg19) VCF-style: chr9-35658022-T-TCAGCTTCACC.
Identifiers: ClinVar variation 4817199 (VCV004817199.1).

ClinVar aggregate classification (germline): Likely pathogenic (1 of 4 stars; one submission).

Conditions:
Metaphyseal chondrodysplasia, McKusick type (CHH). Also called: Cartilage-hair hypoplasia; Cartilage-Hair Hypoplasia (CHH). Identifiers: Orphanet 175, MedGen C0220748, MONDO:0009595, OMIM 250250.

Submission:

Natera, Inc.
Classification: Likely pathogenic for Cartilage-hair hypoplasia. Last evaluated: 2025-12-04. Review status: criteria provided, single submitter. Criteria: Natera Variant Classification Schema (03/2026). Collection method: clinical testing. Allele origin: germline.
Comment: The n.-8_-7insGGTGAAGCTG variant in RMRP is an insertion affecting the RMRP promoter region between the TATA box and the transcription initiation site. Other duplications and insertions just upstream of the transcription initiation site have been reported in individuals affected with cartilage-hair hypoplasia (PMID: 11207361, 17937437). This variant is rare in the general population with a frequency below the threshold expected for the associated phenotype(s). Given the available evidence, this variant is classified as Likely pathogenic.

Literature cited by the submitters: PubMed 11207361; PubMed 17937437.